The following is an entry in ClinVar:

NM_000535.7(PMS2):c.1134G>T (p.Leu378=)

Gene: PMS2 (PMS1 homolog 2, mismatch repair system component; minus strand). Cytogenetic location: 7p22.1.
Variant type: single nucleotide variant.
Coding change: c.1134G>T on transcript NM_000535.7 (MANE Select); coding-DNA position 1134, G replaced by T.
Protein change: p.Leu378=; no amino-acid change (leucine 378 retained).
Molecular consequence: synonymous variant. On other transcripts: non-coding transcript variant (1), intron variant (2).
Genome position (GRCh38, 1-based): chr7:5,989,810, C>A on the plus strand (G>T on the coding strand, the complement: PMS2 is on the minus strand). VCF-style: chr7-5989810-C-A. GRCh37 (hg19) VCF-style: chr7-6029441-C-A.
Other names: c.729G>T, p.Leu243= (NM_001322003.2, NM_001322004.2, NM_001322005.2 and 1 more transcripts); c.816G>T, p.Leu272= (NM_001322007.2, NM_001322008.2); c.201G>T, p.Leu67= (NM_001322011.2, NM_001322012.2); c.561G>T, p.Leu187= (NM_001322013.2); c.1134G>T, p.Leu378= (NM_001322014.2); c.825G>T, p.Leu275= (NM_001322015.2); c.583+2163G>T (NM_001322010.2); c.988+2163G>T (NM_001322006.2).
Identifiers: ClinVar variation 230362 (VCV000230362.25), dbSNP rs754576828, ClinGen allele CA10578684.

ClinVar aggregate classification (germline): Benign/Likely benign. Review status: criteria provided, multiple submitters, no conflicts (2 of 4 stars). 8 submissions from 8 submitters: Benign (1); Likely benign (6). 1 of the submissions does not count toward it. Last evaluated 2025-12-24.

Conditions:
Hereditary cancer-predisposing syndrome. Also called: Neoplastic Syndromes, Hereditary; Tumor predisposition; Hereditary Cancer Syndrome; Hereditary neoplastic syndrome. Identifiers: Orphanet 140162, MedGen C0027672, MeSH D009386, MONDO:0015356.
PMS2-related disorder. Also called: PMS2-related condition.
Lynch syndrome. Identifiers: Orphanet 144, MedGen C4552100, MONDO:0005835. Disease mechanism: loss of function.
Lynch syndrome 4 (LYNCH4). Also called: Colorectal cancer, hereditary nonpolyposis, type 4; Hereditary non-polyposis colorectal cancer, type 4. Identifiers: Orphanet 144, MedGen C1838333, MONDO:0013699, OMIM 614337. Disease mechanism: loss of function.
Hereditary nonpolyposis colorectal neoplasms. Identifiers: MedGen C0009405, MeSH D003123.

Allele frequency attached by ClinVar (database versions not stated): gnomAD 0.00001; TOPMed 0.00001.
gnomAD v4.1: 20 of 1,612,306 alleles (0.0012%); highest among the groups gnomAD compares: Non-Finnish European, 0.0016%; no homozygotes.

Submissions (8):

Labcorp Genetics (formerly Invitae), Labcorp
Classification: Likely benign for Hereditary nonpolyposis colorectal neoplasms. Last evaluated: 2025-12-24. Review status: criteria provided, single submitter. Criteria: Invitae Variant Classification Sherloc (09022015). Collection method: clinical testing. Allele origin: germline.

Quest Diagnostics Nichols Institute San Juan Capistrano
Classification: Likely benign. Last evaluated: 2025-02-10. Review status: criteria provided, single submitter. Criteria: Quest Diagnostics criteria. Collection method: clinical testing. Allele origin: unknown.

Myriad Genetics, Inc.
Classification: Benign for Lynch syndrome 4. Last evaluated: 2025-01-29. Review status: criteria provided, single submitter. Criteria: Myriad Autosomal Dominant, Autosomal Recessive and X-Linked Classification Criteria (2023). Collection method: clinical testing. Allele origin: unknown.
Comment: This variant is considered benign. This variant is a silent/synonymous amino acid change and it is not expected to impact splicing.

All of Us Research Program, National Institutes of Health
Classification: Likely benign for Lynch syndrome. Last evaluated: 2023-10-27. Review status: criteria provided, single submitter. Criteria: ACMG Guidelines, 2015. Collection method: clinical testing. Allele origin: germline. Inheritance: Autosomal dominant inheritance. Observed: 4 variant alleles, 4 heterozygotes.
Comment: This study involves interpretation of variants in research participants for the purpose of population health screening. Participant phenotype was not available at the time of variant classification. Additional details can be found in publication PMID: 35346344, PMCID: PMC8962531

GeneDx
Classification: Likely benign. Last evaluated: 2019-02-25. Review status: criteria provided, single submitter. Criteria: GeneDx Variant Classification Process June 2021. Collection method: clinical testing. Allele origin: germline. Affected: yes.

Color Diagnostics, LLC DBA Color Health
Classification: Likely benign for Hereditary cancer-predisposing syndrome. Last evaluated: 2018-09-04. Review status: criteria provided, single submitter. Criteria: ACMG Guidelines, 2015. Collection method: clinical testing. Allele origin: germline.

Ambry Genetics
Classification: Likely benign for Hereditary cancer-predisposing syndrome. Last evaluated: 2015-01-29. Review status: criteria provided, single submitter. Criteria: Ambry Variant Classification Scheme 2023. Collection method: clinical testing. Allele origin: germline.

PreventionGenetics, part of Exact Sciences
Classification: Likely benign for PMS2-related condition. Last evaluated: 2024-07-29. Review status: no assertion criteria provided. Collection method: clinical testing. Allele origin: germline. Not counted in ClinVar's aggregate classification.
Comment: This variant is classified as likely benign based on ACMG/AMP sequence variant interpretation guidelines (Richards et al. 2015 PMID: 25741868, with internal and published modifications).

Literature cited by the submitters: PubMed 39334433 (cited by Quest Diagnostics Nichols Institute San Juan Capistrano).